The following is an entry in ClinVar:

NM_015978.3(TNNI3K):c.1918A>G (p.Thr640Ala)

Genes: FPGT-TNNI3K (FPGT-TNNI3K readthrough; plus strand), TNNI3K (TNNI3 interacting kinase; plus strand). Cytogenetic location: 1p31.1.
Variant type: single nucleotide variant.
Coding change: c.1918A>G on transcript NM_015978.3 (MANE Select); coding-DNA position 1918, A replaced by G.
Protein change: p.Thr640Ala; replaces threonine 640 with alanine.
Molecular consequence: missense variant.
Genome position (GRCh38, 1-based): chr1:74,439,529, A>G. VCF-style: chr1-74439529-A-G. GRCh37 (hg19) VCF-style: chr1-74905213-A-G.
Other names: c.2221A>G, p.Thr741Ala (NM_001112808.3, NM_001199327.2); c.1918A>G (NM_015978.2); short protein forms T640A, T741A.
Identifiers: ClinVar variation 1390034 (VCV001390034.7), dbSNP rs201335460, ClinGen allele CA909514.

ClinVar aggregate classification (germline): Uncertain significance. Review status: criteria provided, multiple submitters, no conflicts (2 of 4 stars). 2 submissions from 2 submitters: Uncertain significance (2). Last evaluated 2025-12-24.

Conditions:
Inborn genetic diseases. Identifiers: MedGen C0950123, MeSH D030342.

Allele frequency attached by ClinVar (database versions not stated): ExAC 0.00001; TOPMed 0.00004; gnomAD 0.00006.

Submissions (2):

Labcorp Genetics (formerly Invitae), Labcorp
Classification: Uncertain significance. Last evaluated: 2025-12-24. Review status: criteria provided, single submitter. Criteria: Invitae Variant Classification Sherloc (09022015). Collection method: clinical testing. Allele origin: germline.
Comment: This sequence change replaces threonine, which is neutral and polar, with alanine, which is neutral and non-polar, at codon 640 of the TNNI3K protein (p.Thr640Ala). This variant is present in population databases (rs201335460, gnomAD 0.006%). This variant has not been reported in the literature in individuals affected with TNNI3K-related conditions. ClinVar contains an entry for this variant (Variation ID: 1390034). An algorithm developed to predict the effect of missense changes on protein structure and function (PolyPhen-2) suggests that this variant is likely to be tolerated. In summary, the available evidence is currently insufficient to determine the role of this variant in disease. Therefore, it has been classified as a Variant of Uncertain Significance.

Ambry Genetics
Classification: Uncertain significance for Inborn genetic diseases. Last evaluated: 2025-05-04. Review status: criteria provided, single submitter. Criteria: Ambry Variant Classification Scheme 2023. Collection method: clinical testing. Allele origin: germline.